The following is an entry in ClinVar:

NM_001077653.2(TBX20):c.50C>T (p.Ala17Val)

Gene: TBX20 (T-box transcription factor 20; minus strand). Cytogenetic location: 7p14.2.
Variant type: single nucleotide variant.
Coding change: c.50C>T on transcript NM_001077653.2 (MANE Select); coding-DNA position 50, C replaced by T.
Protein change: p.Ala17Val; replaces alanine 17 with valine.
Molecular consequence: missense variant.
Genome position (GRCh38, 1-based): chr7:35,253,571, G>A on the plus strand (C>T on the coding strand, the complement: TBX20 is on the minus strand). VCF-style: chr7-35253571-G-A. GRCh37 (hg19) VCF-style: chr7-35293182-G-A.
Other names: c.50C>T, p.Ala17Val (NM_001166220.1); short protein forms A17V.
Identifiers: ClinVar variation 4797820 (VCV004797820.1).

ClinVar aggregate classification (germline): Uncertain significance (1 of 4 stars; one submission).

Submission:

Labcorp Genetics (formerly Invitae), Labcorp
Classification: Uncertain significance. Last evaluated: 2025-06-18. Review status: criteria provided, single submitter. Criteria: Invitae Variant Classification Sherloc (09022015). Collection method: clinical testing. Allele origin: germline.
Comment: This sequence change replaces alanine, which is neutral and non-polar, with valine, which is neutral and non-polar, at codon 17 of the TBX20 protein (p.Ala17Val). This variant is not present in population databases (gnomAD no frequency). This variant has not been reported in the literature in individuals affected with TBX20-related conditions. An algorithm developed to predict the effect of missense changes on protein structure and function (PolyPhen-2) suggests that this variant is likely to be disruptive. In summary, the available evidence is currently insufficient to determine the role of this variant in disease. Therefore, it has been classified as a Variant of Uncertain Significance.